The following is an entry in ClinVar:

NM_001035.3(RYR2):c.32T>C (p.Ile11Thr)

Gene: RYR2 (ryanodine receptor 2; plus strand). Cytogenetic location: 1q43.
Variant type: single nucleotide variant.
Coding change: c.32T>C on transcript NM_001035.3 (MANE Select); coding-DNA position 32, T replaced by C.
Protein change: p.Ile11Thr; replaces isoleucine 11 with threonine.
Molecular consequence: missense variant.
Genome position (GRCh38, 1-based): chr1:237,042,553, T>C. VCF-style: chr1-237042553-T-C. GRCh37 (hg19) VCF-style: chr1-237205853-T-C.
Other names: p.I11T:ATC>ACC; c.32T>C, p.Ile11Thr (LRG_402t1); short protein forms I11T.
Identifiers: ClinVar variation 201288 (VCV000201288.6), dbSNP rs794728760, ClinGen allele CA009182.

ClinVar aggregate classification (germline): Uncertain significance. Review status: criteria provided, multiple submitters, no conflicts (2 of 4 stars). 2 submissions from 2 submitters: Uncertain significance (2). Last evaluated 2016-06-29.

Conditions:
Cardiovascular phenotype. Identifiers: MedGen CN230736.

Submissions (2):

Ambry Genetics
Classification: Uncertain significance for Cardiovascular phenotype. Last evaluated: 2016-06-29. Review status: criteria provided, single submitter. Criteria: Ambry Variant Classification Scheme 2023. Collection method: clinical testing. Allele origin: germline.
Comment: The p.I11T variant (also known as c.32T>C), located in coding exon 1 of the RYR2 gene, results from a T to C substitution at nucleotide position 32. The isoleucine at codon 11 is replaced by threonine, an amino acid with similar properties. This variant was not reported in population based cohorts in the following databases: Database of Single Nucleotide Polymorphisms (dbSNP), NHLBI Exome Sequencing Project (ESP), and 1000 Genomes Project. In the ESP, this variant was not observed in 6088 samples (12176 alleles) with coverage at this position. This amino acid position is well conserved on limited sequence alignment. In addition, the in silico prediction for this alteration is inconclusive. Since supporting evidence is limited at this time, the clinical significance of this alteration remains unclear.

GeneDx
Classification: Uncertain significance. Last evaluated: 2013-10-30. Review status: criteria provided, single submitter. Criteria: GeneDx Variant Classification (06012015). Collection method: clinical testing. Allele origin: germline. Affected: yes.
Comment: p.Ile11Thr (ATC>ACC): c.32 T>C in exon 1 of the RYR2 gene (NM_001035.2). The Ile11Thr variant in the RYR2 gene has not been reported as a disease-causing mutation or as a benign polymorphism to our knowledge. Ile11Thr results in a non-conservative amino acid substitution of a non-polar Isoleucine residue with a polar Threonine residue at a position that is conserved across species. The Ile11Thr variant was not observed in approximately 6,500 individuals of European and African American ancestry in the NHLBI Exome Sequencing Project, indicating it is not a common benign variant in these populations. However, in silico analysis was inconsistent with regard to the effect this variant may have on the protein structure/function. In addition, no mutations affecting nearby residues have been reported in the RYR2 gene in association with CPVT, indicating this region of the protein may be tolerant of change. We cannot definitively determine if Ile11Thr is a disease-causing mutation or a rare benign variant. The variant is found in CPVT panel(s).